The following is an entry in ClinVar:

ClinVar aggregate classification (germline): Uncertain significance (1 of 4 stars; one submission).

Allele frequency attached by ClinVar (database versions not stated): gnomAD exomes below 0.00001.
gnomAD v4.1: 2 of 1,613,794 alleles (0.00012%); highest among the groups gnomAD compares: Non-Finnish European, 0.00017%; no homozygotes.

Submission:

Labcorp Genetics (formerly Invitae), Labcorp
Classification: Uncertain significance. Last evaluated: 2024-10-15. Review status: criteria provided, single submitter. Criteria: Invitae Variant Classification Sherloc (09022015). Collection method: clinical testing. Allele origin: germline.
Comment: This sequence change replaces histidine, which is basic and polar, with glutamine, which is neutral and polar, at codon 1173 of the TECTA protein (p.His1173Gln). This variant is not present in population databases (gnomAD no frequency). This variant has not been reported in the literature in individuals affected with TECTA-related conditions. ClinVar contains an entry for this variant (Variation ID: 1437648). Invitae Evidence Modeling of protein sequence and biophysical properties (such as structural, functional, and spatial information, amino acid conservation, physicochemical variation, residue mobility, and thermodynamic stability) indicates that this missense variant is not expected to disrupt TECTA protein function with a negative predictive value of 95%. In summary, the available evidence is currently insufficient to determine the role of this variant in disease. Therefore, it has been classified as a Variant of Uncertain Significance.

NM_005422.4(TECTA):c.3519C>A (p.His1173Gln)

Genes: TBCEL-TECTA (TBCEL-TECTA readthrough; plus strand), TECTA (tectorin alpha; plus strand). Cytogenetic location: 11q23.3.
Variant type: single nucleotide variant.
Coding change: c.3519C>A on transcript NM_005422.4 (MANE Select); coding-DNA position 3519, C replaced by A.
Protein change: p.His1173Gln; replaces histidine 1173 with glutamine.
Molecular consequence: missense variant.
Genome position (GRCh38, 1-based): chr11:121,137,998, C>A. VCF-style: chr11-121137998-C-A. GRCh37 (hg19) VCF-style: chr11-121008707-C-A.
Other names: c.4476C>A, p.His1492Gln (NM_001378761.1); short protein forms H1173Q, H1492Q.
Identifiers: ClinVar variation 1437648 (VCV001437648.6), dbSNP rs2135096708, ClinGen allele CA383020267.